The following is an entry in ClinVar:

ClinVar aggregate classification (germline): Uncertain significance. Review status: criteria provided, multiple submitters, no conflicts (2 of 4 stars). 2 submissions from 2 submitters: Uncertain significance (2). Last evaluated 2025-09-02.

Allele frequency attached by ClinVar (database versions not stated): gnomAD exomes 0.00004; ExAC 0.00012; TOPMed 0.00003; gnomAD 0.00002.
gnomAD v4.1: 51 of 1,201,732 alleles (0.0042%); highest among the groups gnomAD compares: Middle Eastern, 0.092%; no homozygotes.

Submissions (2):

Labcorp Genetics (formerly Invitae), Labcorp
Classification: Uncertain significance. Last evaluated: 2025-09-02. Review status: criteria provided, single submitter. Criteria: Invitae Variant Classification Sherloc (09022015). Collection method: clinical testing. Allele origin: germline.
Comment: This sequence change replaces alanine, which is neutral and non-polar, with threonine, which is neutral and polar, at codon 278 of the GYG2 protein (p.Ala278Thr). The frequency data for this variant in the population databases is considered unreliable, as metrics indicate poor data quality at this position in the gnomAD database. This variant has not been reported in the literature in individuals affected with GYG2-related conditions. ClinVar contains an entry for this variant (Variation ID: 2888941). An algorithm developed to predict the effect of missense changes on protein structure and function (PolyPhen-2) suggests that this variant is likely to be tolerated. In summary, the available evidence is currently insufficient to determine the role of this variant in disease. Therefore, it has been classified as a Variant of Uncertain Significance.

Ambry Genetics
Classification: Uncertain significance. Last evaluated: 2024-07-14. Review status: criteria provided, single submitter. Criteria: Ambry Variant Classification Scheme 2023. Collection method: clinical testing. Allele origin: germline.

NM_001079855.2(GYG2):c.739G>A (p.Ala247Thr)

Gene: GYG2 (glycogenin 2; plus strand). Cytogenetic location: Xp22.33.
Variant type: single nucleotide variant.
Coding change: c.739G>A on transcript NM_001079855.2 (MANE Select); coding-DNA position 739, G replaced by A.
Protein change: p.Ala247Thr; replaces alanine 247 with threonine.
Molecular consequence: missense variant.
Genome position (GRCh38, 1-based): chrX:2,859,967, G>A. VCF-style: chrX-2859967-G-A. GRCh37 (hg19) VCF-style: chrX-2778008-G-A.
Other names: c.832G>A, p.Ala278Thr (NM_003918.3, NM_001184703.2); c.739G>A, p.Ala247Thr (NM_001184702.2); c.274G>A, p.Ala92Thr (NM_001184704.2); c.832G>A (NM_003918.2); short protein forms A92T, A247T, A278T.
Identifiers: ClinVar variation 2888941 (VCV002888941.5), dbSNP rs199761827, ClinGen allele CA10337153.
Genomic context (GRCh38, chrX:2,859,967, plus strand): 5'-AATCCACAGAGTGGCTCGGTGTTGGAGCAAGGCTCAGCGTCCAGCAGCCAGCACCAGGCG[G>A]CATTCCTTCATCTCTGGTGGACGGTCTACCAGAACAACGTGCTGCCCCTTTATAAAAGCG-3'
Protein context (NP_001073324.1, residues 237-257): GSASSSQHQA[Ala247Thr]FLHLWWTVYQ